The following is an entry in ClinVar:

NM_198428.3(BBS9):c.1237G>A (p.Val413Ile)

Gene: BBS9 (Bardet-Biedl syndrome 9; plus strand). Cytogenetic location: 7p14.3.
Variant type: single nucleotide variant.
Coding change: c.1237G>A on transcript NM_198428.3 (MANE Select); coding-DNA position 1237, G replaced by A.
Protein change: p.Val413Ile; replaces valine 413 with isoleucine.
Molecular consequence: missense variant. On other transcripts: non-coding transcript variant (3).
Genome position (GRCh38, 1-based): chr7:33,340,935, G>A. VCF-style: chr7-33340935-G-A. GRCh37 (hg19) VCF-style: chr7-33380547-G-A.
Other names: c.1237G>A, p.Val413Ile (NM_001033604.2, NM_001033605.2, NM_001348036.1 and 5 more transcripts); c.871G>A, p.Val291Ile (NM_001348037.3, NM_001348044.3, NM_001348045.3 and 1 more transcripts); c.964G>A, p.Val322Ile (NM_001348038.3, NM_001348039.3); c.1102G>A, p.Val368Ile (NM_001348042.3); c.1237G>A (NM_198428.2); short protein forms V322I, V368I, V413I, V291I.
Identifiers: ClinVar variation 1448087 (VCV001448087.4), dbSNP rs778518775, ClinGen allele CA4214225.

ClinVar aggregate classification (germline): Uncertain significance. Review status: criteria provided, multiple submitters, no conflicts (2 of 4 stars). 2 submissions from 2 submitters: Uncertain significance (2). Last evaluated 2024-12-06.

Conditions:
BBS9-related disorder. Also called: BBS9-related condition.
Bardet-Biedl syndrome (BBS). Identifiers: Orphanet 110, MedGen C0752166, MONDO:0015229.

Allele frequency attached by ClinVar (database versions not stated): TOPMed 0.00001; gnomAD exomes 0.00002 and 0.00005; ExAC 0.00003; gnomAD 0.00003 and 0.00004.
gnomAD v4.1: 32 of 1,613,374 alleles (0.002%); highest among the groups gnomAD compares: Middle Eastern, 0.016%; no homozygotes.

Submissions (2):

PreventionGenetics, part of Exact Sciences
Classification: Uncertain significance for BBS9-related condition. Last evaluated: 2024-12-06. Review status: criteria provided, single submitter. Criteria: ACMG Guidelines, 2015. Collection method: clinical testing. Allele origin: germline.
Comment: The BBS9 c.1237G>A variant is predicted to result in the amino acid substitution p.Val413Ile. To our knowledge, this variant has not been reported in the literature. This variant is reported in 0.051% of alleles in individuals of European (Finnish) descent in gnomAD. At this time, the clinical significance of this variant is uncertain due to the absence of conclusive functional and genetic evidence.

Labcorp Genetics (formerly Invitae), Labcorp
Classification: Uncertain significance for Bardet-Biedl syndrome. Last evaluated: 2021-10-25. Review status: criteria provided, single submitter. Criteria: Invitae Variant Classification Sherloc (09022015). Collection method: clinical testing. Allele origin: germline.
Comment: This sequence change replaces valine, which is neutral and non-polar, with isoleucine, which is neutral and non-polar, at codon 413 of the BBS9 protein (p.Val413Ile). This variant is present in population databases (rs778518775, gnomAD 0.05%). This variant has not been reported in the literature in individuals affected with BBS9-related conditions. Algorithms developed to predict the effect of missense changes on protein structure and function output the following: SIFT: "Deleterious"; PolyPhen-2: "Benign"; Align-GVGD: "Class C25". The isoleucine amino acid residue is found in multiple mammalian species, which suggests that this missense change does not adversely affect protein function. In summary, the available evidence is currently insufficient to determine the role of this variant in disease. Therefore, it has been classified as a Variant of Uncertain Significance.